The following is an entry in ClinVar:

NM_016219.5(MAN1B1):c.219G>T (p.Arg73Ser)

Genes: MAN1B1 (mannosidase alpha class 1B member 1; plus strand), LOC130003079 (ATAC-STARR-seq lymphoblastoid silent region 20579; plus strand). Cytogenetic location: 9q34.3.
Variant type: single nucleotide variant.
Coding change: c.219G>T on transcript NM_016219.5 (MANE Select); coding-DNA position 219, G replaced by T.
Protein change: p.Arg73Ser; replaces arginine 73 with serine.
Molecular consequence: missense variant. On other transcripts: non-coding transcript variant (2).
Genome position (GRCh38, 1-based): chr9:137,087,218, G>T. VCF-style: chr9-137087218-G-T. GRCh37 (hg19) VCF-style: chr9-139981670-G-T.
Other names: c.111G>T, p.Arg37Ser (NM_007230.1); short protein forms R37S, R73S.
Identifiers: ClinVar variation 1992328 (VCV001992328.4), dbSNP rs1224834751, ClinGen allele CA375671707.

ClinVar aggregate classification (germline): Conflicting classifications of pathogenicity. Review status: criteria provided, conflicting classifications (1 of 4 stars). 2 submissions from 2 submitters: Likely pathogenic (1); Uncertain significance (1). Last evaluated 2022-12-08.

Conditions:
Rafiq syndrome (RAFQS). Identifiers: Orphanet 88616, MedGen C3280127, MONDO:0013624, OMIM 614202.

Submissions (2):

MVZ Martinsried, Medicover Genetics
Classification: Likely pathogenic for Rafiq syndrome. Last evaluated: 2022-12-08. Review status: criteria provided, single submitter. Criteria: ACGS Guidelines, 2020. Collection method: clinical testing. Allele origin: inherited. Affected: yes.

Labcorp Genetics (formerly Invitae), Labcorp
Classification: Uncertain significance for Rafiq syndrome. Last evaluated: 2022-04-22. Review status: criteria provided, single submitter. Criteria: Invitae Variant Classification Sherloc (09022015). Collection method: clinical testing. Allele origin: germline.
Comment: This variant is not present in population databases (gnomAD no frequency). This sequence change replaces arginine, which is basic and polar, with serine, which is neutral and polar, at codon 73 of the MAN1B1 protein (p.Arg73Ser). This variant also falls at the last nucleotide of exon 1, which is part of the consensus splice site for this exon. This variant has not been reported in the literature in individuals affected with MAN1B1-related conditions. In summary, the available evidence is currently insufficient to determine the role of this variant in disease. Therefore, it has been classified as a Variant of Uncertain Significance. Variants that disrupt the consensus splice site are a relatively common cause of aberrant splicing (PMID: 17576681, 9536098). Algorithms developed to predict the effect of sequence changes on RNA splicing suggest that this variant may disrupt the consensus splice site. Algorithms developed to predict the effect of missense changes on protein structure and function are either unavailable or do not agree on the potential impact of this missense change (SIFT: "Deleterious"; PolyPhen-2: "Probably Damaging"; Align-GVGD: "Class C0").

Literature cited by the submitters: PubMed 17576681 (cited by Labcorp Genetics (formerly Invitae), Labcorp); PubMed 9536098 (cited by Labcorp Genetics (formerly Invitae), Labcorp).